The following is an entry in ClinVar:

ClinVar aggregate classification (germline): Pathogenic (1 of 4 stars; one submission).

Submission:

Labcorp Genetics (formerly Invitae), Labcorp
Classification: Pathogenic. Last evaluated: 2023-04-10. Review status: criteria provided, single submitter. Criteria: Invitae Variant Classification Sherloc (09022015). Collection method: clinical testing. Allele origin: germline.
Comment: For these reasons, this variant has been classified as Pathogenic. This variant has not been reported in the literature in individuals affected with MPDZ-related conditions. This variant is not present in population databases (gnomAD no frequency). This sequence change creates a premature translational stop signal (p.Leu1493Valfs*17) in the MPDZ gene. It is expected to result in an absent or disrupted protein product. Loss-of-function variants in MPDZ are known to be pathogenic (PMID: 23240096, 28556411).

Literature cited by the submitters: PubMed 23240096; PubMed 28556411.

NM_001378778.1(MPDZ):c.4474_4475dup (p.Leu1493fs)

Gene: MPDZ (multiple PDZ domain crumbs cell polarity complex component; minus strand). Cytogenetic location: 9p23.
Variant type: Duplication.
Coding change: c.4474_4475dup on transcript NM_001378778.1 (MANE Select); coding-DNA positions 4474 to 4475, 2 bases duplicated (GG; older notation c.4474_4475dupGG).
Protein change: p.Leu1493fs; shifts the reading frame from leucine 1493.
Molecular consequence: frameshift variant.
Genome position (GRCh38, 1-based): chr9:13,126,762-13,126,763, CC duplicated on the plus strand (GG on the coding strand, the reverse complement: MPDZ is on the minus strand); duplicating any 2 consecutive bases within chr9:13,126,762-13,126,767 gives the same sequence; the c. name uses the placement nearest the transcript's 3' end. VCF-style (leftmost placement, unchanged base first): chr9-13126761-A-ACC. GRCh37 (hg19) VCF-style: chr9-13126760-A-ACC.
Other names: c.4375_4376dup, p.Leu1460fs (NM_001261406.2, NM_001261407.2, NM_001375416.1 and 3 more transcripts); c.4474_4475dup, p.Leu1493fs (NM_001330637.2, NM_003829.5); c.4573_4574dup, p.Leu1526fs (NM_001375413.1); c.4264_4265dup, p.Leu1423fs (NM_001375420.1, NM_001375421.1, NM_001375422.1 and 4 more transcripts); c.4066_4067dup, p.Leu1357fs (NM_001375427.1); short protein forms L1423fs, L1526fs, L1493fs, L1357fs, L1460fs.
Identifiers: ClinVar variation 2854774 (VCV002854774.3), dbSNP rs746829047, ClinGen allele CA2739269157.